The following is an entry in ClinVar:

NM_001042492.3(NF1):c.7644dup (p.Ser2549fs)

Gene: NF1 (neurofibromin 1; plus strand). Cytogenetic location: 17q11.2.
Variant type: Duplication.
Coding change: c.7644dup on transcript NM_001042492.3 (MANE Select); coding-DNA position 7644, one base duplicated (A; older notation c.7644dupA).
Protein change: p.Ser2549fs; shifts the reading frame from serine 2549.
Molecular consequence: frameshift variant.
Genome position (GRCh38, 1-based): chr17:31,356,488, A duplicated. VCF-style (leftmost placement, unchanged base first): chr17-31356487-T-TA. GRCh37 (hg19) VCF-style: chr17-29683505-T-TA.
Other names: c.7581dupA (NM_000267.3); c.7581dup, p.Ser2528Ilefs (NM_000267.4); short protein forms S2528fs, S2549fs.
Identifiers: ClinVar variation 1073648 (VCV001073648.8), dbSNP rs2151581069, ClinGen allele CA2499224233.

ClinVar aggregate classification (germline): Pathogenic. Review status: criteria provided, multiple submitters, no conflicts (2 of 4 stars). 3 submissions from 3 submitters: Pathogenic (3). Last evaluated 2025-06-18.

Conditions:
Hereditary cancer-predisposing syndrome. Also called: Neoplastic Syndromes, Hereditary; Hereditary neoplastic syndrome; Tumor predisposition; Hereditary Cancer Syndrome. Identifiers: Orphanet 140162, MedGen C0027672, MeSH D009386, MONDO:0015356.
Cardiovascular phenotype. Identifiers: MedGen CN230736.
Neurofibromatosis, type 1 (NF1). Also called: VON RECKLINGHAUSEN DISEASE; Peripheral type neurofibromatosis; NEUROFIBROMATOSIS, TYPE I, SOMATIC; Neurofibromatosis, type I. Identifiers: Orphanet 636, MedGen C0027831, MONDO:0018975, OMIM 162200. Disease mechanism: loss of function.

Submissions (3):

Labcorp Genetics (formerly Invitae), Labcorp
Classification: Pathogenic for Neurofibromatosis, type 1. Last evaluated: 2025-06-18. Review status: criteria provided, single submitter. Criteria: Invitae Variant Classification Sherloc (09022015). Collection method: clinical testing. Allele origin: germline.
Comment: This sequence change creates a premature translational stop signal (p.Ser2528Ilefs*7) in the NF1 gene. It is expected to result in an absent or disrupted protein product. Loss-of-function variants in NF1 are known to be pathogenic (PMID: 10712197, 23913538). This variant is not present in population databases (gnomAD no frequency). This premature translational stop signal has been observed in individual(s) with neurofibromatosis type 1 (PMID: 31766501). Invitae Evidence Modeling of clinical and family history, age, sex, and reported ancestry of multiple individuals with this NF1 variant has been performed. This variant is expected to be pathogenic with a positive predictive value of at least 99%. This is a validated machine learning model that incorporates the clinical features of 1,785,918 individuals referred to our laboratory for NF1 testing. ClinVar contains an entry for this variant (Variation ID: 1073648). Algorithms developed to predict the effect of sequence changes on RNA splicing suggest that this variant may disrupt the consensus splice site. For these reasons, this variant has been classified as Pathogenic.

GeneDx
Classification: Pathogenic. Last evaluated: 2024-03-13. Review status: criteria provided, single submitter. Criteria: GeneDx Variant Classification Process June 2021. Collection method: clinical testing. Allele origin: germline. Affected: yes.
Comment: Frameshift variant predicted to result in protein truncation or nonsense mediated decay in a gene for which loss of function is a known mechanism of disease; Not observed at significant frequency in large population cohorts (gnomAD); Also known as c.7580_7581dupA; This variant is associated with the following publications: (PMID: 31766501, 26740943)

Ambry Genetics
Classification: Pathogenic for Cardiovascular phenotype; Hereditary cancer-predisposing syndrome. Last evaluated: 2022-01-05. Review status: criteria provided, single submitter. Criteria: Ambry Variant Classification Scheme 2023. Collection method: clinical testing. Allele origin: germline.
Comment: The c.7581dupA pathogenic mutation, located in coding exon 51 of the NF1 gene, results from a duplication of A at nucleotide position 7581, causing a translational frameshift with a predicted alternate stop codon (p.S2528Ifs*7). This alteration was observed in an individual with a clinical diagnosis of neurofibromatosis type 1 as well as in 1 of 537 Italian probands with clinical diagnoses or suspicion of NF1 (Melloni G et al. Cancers (Basel), 2019 11;11:; Bianchessi D et al. Mol Genet Genomic Med, 2015 Nov;3:513-25). This variant is considered to be rare based on population cohorts in the Genome Aggregation Database (gnomAD). In addition to the clinical data presented in the literature, this alteration is expected to result in loss of function by premature protein truncation or nonsense-mediated mRNA decay. As such, this alteration is interpreted as a disease-causing mutation.

Literature cited by the submitters: PubMed 10712197 (cited by Labcorp Genetics (formerly Invitae), Labcorp); PubMed 23913538 (cited by Labcorp Genetics (formerly Invitae), Labcorp); PubMed 31766501 (cited by Labcorp Genetics (formerly Invitae), Labcorp).